The following is an entry in ClinVar:

ClinVar aggregate classification (germline): Uncertain significance. Review status: criteria provided, multiple submitters, no conflicts (2 of 4 stars). 3 submissions from 3 submitters: Uncertain significance (3). Last evaluated 2023-05-11.

Conditions:
NUP188-related disorder. Also called: NUP188-related condition.
Inborn genetic diseases. Identifiers: MedGen C0950123, MeSH D030342.
Sandestig-stefanova syndrome. Identifiers: MedGen C5394118, MONDO:0032926, OMIM 618804.

Allele frequency attached by ClinVar (database versions not stated): gnomAD exomes 0.00006; ExAC 0.00013; gnomAD 0.00014; TOPMed 0.00034.
gnomAD v4.1: 113 of 1,614,122 alleles (0.007%); highest among the groups gnomAD compares: Admixed American, 0.093%; no homozygotes.

Submissions (3):

PreventionGenetics, part of Exact Sciences
Classification: Uncertain significance for NUP188-related condition. Last evaluated: 2023-05-11. Review status: criteria provided, single submitter. Criteria: ACMG Guidelines, 2015. Collection method: clinical testing. Allele origin: germline.
Comment: The NUP188 c.1900C>T variant is predicted to result in the amino acid substitution p.Arg634Cys. To our knowledge, this variant has not been reported in the literature. This variant is reported in 0.093% of alleles in individuals of Latino descent in gnomAD. At this time, the clinical significance of this variant is uncertain due to the absence of conclusive functional and genetic evidence.

Revvity Omics, Revvity
Classification: Uncertain significance for Sandestig-stefanova syndrome. Last evaluated: 2022-01-27. Review status: criteria provided, single submitter. Criteria: ACMG Guidelines, 2015. Collection method: clinical testing. Allele origin: germline.

Ambry Genetics
Classification: Uncertain significance for Inborn genetic diseases. Last evaluated: 2021-06-15. Review status: criteria provided, single submitter. Criteria: Ambry Variant Classification Scheme 2023. Collection method: clinical testing. Allele origin: germline.

NM_015354.3(NUP188):c.1900C>T (p.Arg634Cys)

Gene: NUP188 (nucleoporin 188; plus strand). Cytogenetic location: 9q34.11.
Variant type: single nucleotide variant.
Coding change: c.1900C>T on transcript NM_015354.3 (MANE Select); coding-DNA position 1900, C replaced by T.
Protein change: p.Arg634Cys; replaces arginine 634 with cysteine.
Molecular consequence: missense variant.
Genome position (GRCh38, 1-based): chr9:128,983,489, C>T. VCF-style: chr9-128983489-C-T. GRCh37 (hg19) VCF-style: chr9-131745768-C-T.
Other names: c.1900C>T (NM_015354.2); short protein forms R634C.
Identifiers: ClinVar variation 2369550 (VCV002369550.6), dbSNP rs779341005, ClinGen allele CA5272489.